The following is an entry in ClinVar:

ClinVar aggregate classification (germline): Uncertain significance. Review status: criteria provided, multiple submitters, no conflicts (2 of 4 stars). 3 submissions from 3 submitters: Uncertain significance (3). Last evaluated 2025-06-12.

Conditions:
Inborn genetic diseases. Identifiers: MedGen C0950123, MeSH D030342.

Allele frequency attached by ClinVar (database versions not stated): ExAC 0.00002; gnomAD exomes 0.00002; gnomAD 0.00013 and 0.00014; 1000 Genomes Project 30x 0.00016; 1000 Genomes Project 0.00020; TOPMed 0.00032.
gnomAD v4.1: 68 of 1,613,042 alleles (0.0042%); highest among the groups gnomAD compares: Admixed American, 0.035%; no homozygotes.

Submissions (3):

Labcorp Genetics (formerly Invitae), Labcorp
Classification: Uncertain significance. Last evaluated: 2025-06-12. Review status: criteria provided, single submitter. Criteria: Invitae Variant Classification Sherloc (09022015). Collection method: clinical testing. Allele origin: germline.
Comment: This sequence change replaces glycine, which is neutral and non-polar, with serine, which is neutral and polar, at codon 207 of the SLC20A2 protein (p.Gly207Ser). This variant is present in population databases (rs200363169, gnomAD 0.006%). This variant has not been reported in the literature in individuals affected with SLC20A2-related conditions. ClinVar contains an entry for this variant (Variation ID: 1489119). Invitae Evidence Modeling of protein sequence and biophysical properties (such as structural, functional, and spatial information, amino acid conservation, physicochemical variation, residue mobility, and thermodynamic stability) has been performed for this missense variant. However, the output from this modeling did not meet the statistical confidence thresholds required to predict the impact of this variant on SLC20A2 protein function. In summary, the available evidence is currently insufficient to determine the role of this variant in disease. Therefore, it has been classified as a Variant of Uncertain Significance.

Ambry Genetics
Classification: Uncertain significance for Inborn genetic diseases. Last evaluated: 2021-07-08. Review status: criteria provided, single submitter. Criteria: Ambry Variant Classification Scheme 2023. Collection method: clinical testing. Allele origin: germline.

Breakthrough Genomics
Classification: Uncertain significance. Review status: criteria provided, single submitter. Criteria: ACMG Guidelines, 2015. Collection method: not provided. Allele origin: germline. Inheritance: Autosomal recessive inheritance. Affected: yes.

NM_001257180.2(SLC20A2):c.619G>A (p.Gly207Ser)

Gene: SLC20A2 (solute carrier family 20 member 2; minus strand). Cytogenetic location: 8p11.21.
Variant type: single nucleotide variant.
Coding change: c.619G>A on transcript NM_001257180.2 (MANE Select); coding-DNA position 619, G replaced by A.
Protein change: p.Gly207Ser; replaces glycine 207 with serine.
Molecular consequence: missense variant.
Genome position (GRCh38, 1-based): chr8:42,444,757, C>T on the plus strand (G>A on the coding strand, the complement: SLC20A2 is on the minus strand). VCF-style: chr8-42444757-C-T. GRCh37 (hg19) VCF-style: chr8-42302275-C-T.
Other names: c.619G>A, p.Gly207Ser (NM_001257181.2, NM_006749.5); c.619G>A (NM_006749.3); short protein forms G207S.
Identifiers: ClinVar variation 1489119 (VCV001489119.10), dbSNP rs200363169, ClinGen allele CA4733503.